The following is an entry in ClinVar:

NM_001430.5(EPAS1):c.2080G>C (p.Val694Leu)

Gene: EPAS1 (endothelial PAS domain protein 1; plus strand). Cytogenetic location: 2p21.
Variant type: single nucleotide variant.
Coding change: c.2080G>C on transcript NM_001430.5 (MANE Select); coding-DNA position 2080, G replaced by C.
Protein change: p.Val694Leu; replaces valine 694 with leucine.
Molecular consequence: missense variant.
Genome position (GRCh38, 1-based): chr2:46,381,630, G>C. VCF-style: chr2-46381630-G-C. GRCh37 (hg19) VCF-style: chr2-46608769-G-C.
Other names: short protein forms V694L.
Identifiers: ClinVar variation 1785558 (VCV001785558.2), dbSNP rs375544083, ClinGen allele CA1645215.

ClinVar aggregate classification (germline): Uncertain significance (1 of 4 stars; one submission).

Conditions:
Inborn genetic diseases. Identifiers: MedGen C0950123, MeSH D030342.

Allele frequency attached by ClinVar (database versions not stated): ESP Exome Variant Server 0.00008.
gnomAD v4.1: 4 of 1,613,868 alleles (0.00025%); highest among the groups gnomAD compares: African/African-American, 0.0053%; no homozygotes.

Submission:

Ambry Genetics
Classification: Uncertain significance for Inborn genetic diseases. Last evaluated: 2022-03-08. Review status: criteria provided, single submitter. Criteria: Ambry Variant Classification Scheme 2023. Collection method: clinical testing. Allele origin: germline.
Comment: The p.V694L variant (also known as c.2080G>C), located in coding exon 13 of the EPAS1 gene, results from a G to C substitution at nucleotide position 2080. The valine at codon 694 is replaced by leucine, an amino acid with highly similar properties. This amino acid position is conserved. In addition, this alteration is predicted to be tolerated by in silico analysis. Since supporting evidence is limited at this time, the clinical significance of this alteration remains unclear.